The following is an entry in ClinVar:

ClinVar aggregate classification (germline): Uncertain significance. Review status: criteria provided, multiple submitters, no conflicts (2 of 4 stars). 2 submissions from 2 submitters: Uncertain significance (2). Last evaluated 2025-09-04.

Conditions:
Hereditary cancer-predisposing syndrome. Also called: Hereditary Cancer Syndrome; Hereditary neoplastic syndrome; Tumor predisposition; Neoplastic Syndromes, Hereditary. Identifiers: Orphanet 140162, MedGen C0027672, MeSH D009386, MONDO:0015356.

Submissions (2):

Ambry Genetics
Classification: Uncertain significance for Hereditary cancer-predisposing syndrome. Last evaluated: 2025-09-04. Review status: criteria provided, single submitter. Criteria: Ambry Variant Classification Scheme 2023. Collection method: clinical testing. Allele origin: germline.
Comment: The p.I505M variant (also known as c.1515T>G), located in coding exon 10 of the CTNNA1 gene, results from a T to G substitution at nucleotide position 1515. The isoleucine at codon 505 is replaced by methionine, an amino acid with highly similar properties. This amino acid position is highly conserved in available vertebrate species. In addition, the in silico prediction for this alteration is inconclusive. Based on the available evidence, the clinical significance of this variant remains unclear.

Labcorp Genetics (formerly Invitae), Labcorp
Classification: Uncertain significance. Last evaluated: 2025-05-19. Review status: criteria provided, single submitter. Criteria: Invitae Variant Classification Sherloc (09022015). Collection method: clinical testing. Allele origin: germline.
Comment: This sequence change replaces isoleucine, which is neutral and non-polar, with methionine, which is neutral and non-polar, at codon 505 of the CTNNA1 protein (p.Ile505Met). This variant is not present in population databases (gnomAD no frequency). This variant has not been reported in the literature in individuals affected with CTNNA1-related conditions. ClinVar contains an entry for this variant (Variation ID: 841194). Invitae Evidence Modeling of protein sequence and biophysical properties (such as structural, functional, and spatial information, amino acid conservation, physicochemical variation, residue mobility, and thermodynamic stability) indicates that this missense variant is not expected to disrupt CTNNA1 protein function with a negative predictive value of 80%. In summary, the available evidence is currently insufficient to determine the role of this variant in disease. Therefore, it has been classified as a Variant of Uncertain Significance.

NM_001903.5(CTNNA1):c.1515T>G (p.Ile505Met)

Gene: CTNNA1 (catenin alpha 1; plus strand). Cytogenetic location: 5q31.2.
Variant type: single nucleotide variant.
Coding change: c.1515T>G on transcript NM_001903.5 (MANE Select); coding-DNA position 1515, T replaced by G.
Protein change: p.Ile505Met; replaces isoleucine 505 with methionine.
Molecular consequence: missense variant.
Genome position (GRCh38, 1-based): chr5:138,917,867, T>G. VCF-style: chr5-138917867-T-G. GRCh37 (hg19) VCF-style: chr5-138253556-T-G.
Other names: c.1515T>G, p.Ile505Met (NM_001290307.3, NM_001323982.2, NM_001323983.1 and 2 more transcripts); c.1206T>G, p.Ile402Met (NM_001290309.3); c.1146T>G, p.Ile382Met (NM_001290310.3); c.1422T>G, p.Ile474Met (NM_001323986.2); c.405T>G, p.Ile135Met (NM_001323987.1, NM_001323988.1, NM_001323989.1 and 17 more transcripts); c.66T>G, p.Ile22Met (NM_001324006.1, NM_001324007.1, NM_001324008.1 and 2 more transcripts); c.312T>G, p.Ile104Met (NM_001324011.1); c.162T>G, p.Ile54Met (NM_001324012.1, NM_001324013.1); and 1 more; short protein forms I135M, I382M, I402M, I474M, I505M, I54M, I22M, I104M.
Identifiers: ClinVar variation 841194 (VCV000841194.8), dbSNP rs770329095, ClinGen allele CA361137361.